The following is an entry in ClinVar:

NM_001282933.2(ZNF341):c.2148C>T (p.Cys716=)

Genes: ZNF341 (zinc finger protein 341; plus strand), ZNF341-AS1 (ZNF341 antisense RNA 1; minus strand). Cytogenetic location: 20q11.22.
Variant type: single nucleotide variant.
Coding change: c.2148C>T on transcript NM_001282933.2 (MANE Select); coding-DNA position 2148, C replaced by T.
Protein change: p.Cys716=; no amino-acid change (cysteine 716 retained).
Molecular consequence: synonymous variant. On other transcripts: non-coding transcript variant (1).
Genome position (GRCh38, 1-based): chr20:33,791,100, C>T. VCF-style: chr20-33791100-C-T. GRCh37 (hg19) VCF-style: chr20-32378906-C-T.
Other names: c.2148C>T (NM_001282933.1); c.1878C>T, p.Cys626= (NM_001282935.2); c.2127C>T, p.Cys709= (NM_032819.5).
Identifiers: ClinVar variation 1167969 (VCV001167969.36), dbSNP rs61734271, ClinGen allele CA9819717.

ClinVar aggregate classification (germline): Benign/Likely benign. Review status: criteria provided, multiple submitters, no conflicts (2 of 4 stars). 8 submissions from 8 submitters: Benign (2); Likely benign (3). 3 of the submissions do not count toward it. Last evaluated 2026-01-23.

Conditions:
ZNF341-related disorder. Also called: ZNF341-related condition.

Allele frequency attached by ClinVar (database versions not stated): 1000 Genomes Project 0.00040; 1000 Genomes Project 30x 0.00047; ExAC 0.00076; gnomAD exomes 0.00091 and 0.00184; gnomAD 0.00113; TOPMed 0.00114; ESP Exome Variant Server 0.00208.
gnomAD v4.1: 2,883 of 1,613,056 alleles (0.18%); highest among the groups gnomAD compares: Non-Finnish European, 0.23%; 5 homozygotes.

Submissions (8):

Women's Health and Genetics/Laboratory Corporation of America, LabCorp
Classification: Likely benign. Last evaluated: 2026-01-23. Review status: criteria provided, single submitter. Criteria: LabCorp Variant Classification Summary - May 2015. Collection method: clinical testing. Allele origin: germline.

Labcorp Genetics (formerly Invitae), Labcorp
Classification: Benign. Last evaluated: 2026-01-21. Review status: criteria provided, single submitter. Criteria: Invitae Variant Classification Sherloc (09022015). Collection method: clinical testing. Allele origin: germline.

Blueprint Genetics
Classification: Likely benign. Last evaluated: 2024-11-27. Review status: criteria provided, single submitter. Criteria: ACMG Guidelines, 2015. Collection method: clinical testing. Allele origin: germline.

CeGaT Center for Human Genetics Tuebingen
Classification: Likely benign. Last evaluated: 2024-11-01. Review status: criteria provided, single submitter. Criteria: CeGaT Center For Human Genetics Tuebingen Variant Classification Criteria Version 2. Collection method: clinical testing. Allele origin: germline. Affected: yes. Observed: 2 variant alleles.
Comment: ZNF341: BP4, BP7

Breakthrough Genomics
Classification: Benign. Review status: criteria provided, single submitter. Criteria: ACMG Guidelines, 2015. Collection method: not provided. Allele origin: germline. Inheritance: Autosomal recessive inheritance. Affected: yes.

PreventionGenetics, part of Exact Sciences
Classification: Likely benign for ZNF341-related condition. Last evaluated: 2019-06-12. Review status: no assertion criteria provided. Collection method: clinical testing. Allele origin: germline. Not counted in ClinVar's aggregate classification.
Comment: This variant is classified as likely benign based on ACMG/AMP sequence variant interpretation guidelines (Richards et al. 2015 PMID: 25741868, with internal and published modifications).

Clinical Genetics DNA and cytogenetics Diagnostics Lab, Erasmus MC, Erasmus Medical Center
Classification: Likely benign. Review status: no assertion criteria provided. Collection method: clinical testing. Allele origin: germline. Affected: yes. Study: VKGL Data-share Consensus. Not counted in ClinVar's aggregate classification.

Genome Diagnostics Laboratory, University Medical Center Utrecht
Classification: Likely benign. Review status: no assertion criteria provided. Collection method: clinical testing. Allele origin: germline. Affected: yes. Study: VKGL Data-share Consensus. Not counted in ClinVar's aggregate classification.